The following is an entry in ClinVar:

ClinVar aggregate classification (germline): Pathogenic (1 of 4 stars; one submission).

Submission:

Labcorp Genetics (formerly Invitae), Labcorp
Classification: Pathogenic. Last evaluated: 2023-12-06. Review status: criteria provided, single submitter. Criteria: Invitae Variant Classification Sherloc (09022015). Collection method: clinical testing. Allele origin: germline.
Comment: This sequence change replaces cysteine, which is neutral and slightly polar, with tryptophan, which is neutral and slightly polar, at codon 83 of the LMX1B protein (p.Cys83Trp). This variant is not present in population databases (gnomAD no frequency). This missense change has been observed in individual(s) with clinical features of nail patella syndrome (Invitae). In at least one individual the variant was observed to be de novo. ClinVar contains an entry for this variant (Variation ID: 2129237). Advanced modeling of protein sequence and biophysical properties (such as structural, functional, and spatial information, amino acid conservation, physicochemical variation, residue mobility, and thermodynamic stability) performed at Invitae indicates that this missense variant is expected to disrupt LMX1B protein function with a positive predictive value of 80%. This variant disrupts the p.Cys83 amino acid residue in LMX1B. Other variant(s) that disrupt this residue have been observed in individuals with LMX1B-related conditions (PMID: 10571942, 11668639), which suggests that this may be a clinically significant amino acid residue. For these reasons, this variant has been classified as Pathogenic.

Literature cited by the submitters: PubMed 10571942; PubMed 11668639.

NM_001174147.2(LMX1B):c.249C>G (p.Cys83Trp)

Gene: LMX1B (LIM homeobox transcription factor 1 beta; plus strand). Cytogenetic location: 9q33.3.
Variant type: single nucleotide variant.
Coding change: c.249C>G on transcript NM_001174147.2 (MANE Select); coding-DNA position 249, C replaced by G.
Protein change: p.Cys83Trp; replaces cysteine 83 with tryptophan.
Molecular consequence: missense variant.
Genome position (GRCh38, 1-based): chr9:126,615,492, C>G. VCF-style: chr9-126615492-C-G. GRCh37 (hg19) VCF-style: chr9-129377771-C-G.
Other names: c.249C>G, p.Cys83Trp (NM_001174146.2, NM_002316.4); short protein forms C83W.
Identifiers: ClinVar variation 2129237 (VCV002129237.4), dbSNP rs2490518161, ClinGen allele CA374910084.